The following is an entry in ClinVar:

ClinVar aggregate classification (germline): Uncertain significance (1 of 4 stars; one submission).

Submission:

Labcorp Genetics (formerly Invitae), Labcorp
Classification: Uncertain significance. Last evaluated: 2022-11-15. Review status: criteria provided, single submitter. Criteria: Invitae Variant Classification Sherloc (09022015). Collection method: clinical testing. Allele origin: germline.
Comment: This sequence change replaces lysine, which is basic and polar, with arginine, which is basic and polar, at codon 161 of the SERPING1 protein (p.Lys161Arg). This variant is not present in population databases (gnomAD no frequency). In summary, the available evidence is currently insufficient to determine the role of this variant in disease. Therefore, it has been classified as a Variant of Uncertain Significance. Advanced modeling of protein sequence and biophysical properties (such as structural, functional, and spatial information, amino acid conservation, physicochemical variation, residue mobility, and thermodynamic stability) performed at Invitae indicates that this missense variant is not expected to disrupt SERPING1 protein function. This variant has not been reported in the literature in individuals affected with SERPING1-related conditions.

NM_000062.3(SERPING1):c.482A>G (p.Lys161Arg)

Gene: SERPING1 (serpin family G member 1; plus strand). Cytogenetic location: 11q12.1.
Variant type: single nucleotide variant.
Coding change: c.482A>G on transcript NM_000062.3 (MANE Select); coding-DNA position 482, A replaced by G.
Protein change: p.Lys161Arg; replaces lysine 161 with arginine.
Molecular consequence: missense variant.
Genome position (GRCh38, 1-based): chr11:57,600,309, A>G. VCF-style: chr11-57600309-A-G. GRCh37 (hg19) VCF-style: chr11-57367782-A-G.
Other names: c.482A>G, p.Lys161Arg (NM_001032295.2); short protein forms K161R.
Identifiers: ClinVar variation 2005408 (VCV002005408.4), dbSNP rs2495426641, ClinGen allele CA380695467.